The following is an entry in ClinVar:

ClinVar aggregate classification (germline): Uncertain significance (1 of 4 stars; one submission).

Submission:

Labcorp Genetics (formerly Invitae), Labcorp
Classification: Uncertain significance. Last evaluated: 2025-05-01. Review status: criteria provided, single submitter. Criteria: Invitae Variant Classification Sherloc (09022015). Collection method: clinical testing. Allele origin: germline.
Comment: This sequence change replaces histidine, which is basic and polar, with tyrosine, which is neutral and polar, at codon 111 of the COL4A6 protein (p.His111Tyr). This variant is not present in population databases (gnomAD no frequency). This variant has not been reported in the literature in individuals affected with COL4A6-related conditions. Invitae Evidence Modeling of protein sequence and biophysical properties (such as structural, functional, and spatial information, amino acid conservation, physicochemical variation, residue mobility, and thermodynamic stability) indicates that this missense variant is not expected to disrupt COL4A6 protein function with a negative predictive value of 80%. In summary, the available evidence is currently insufficient to determine the role of this variant in disease. Therefore, it has been classified as a Variant of Uncertain Significance.

NM_033641.4(COL4A6):c.328C>T (p.His110Tyr)

Gene: COL4A6 (collagen type IV alpha 6 chain; minus strand). Cytogenetic location: Xq22.3.
Variant type: single nucleotide variant.
Coding change: c.328C>T on transcript NM_033641.4 (MANE Select); coding-DNA position 328, C replaced by T.
Protein change: p.His110Tyr; replaces histidine 110 with tyrosine.
Molecular consequence: missense variant.
Genome position (GRCh38, 1-based): chrX:108,214,225, G>A on the plus strand (C>T on the coding strand, the complement: COL4A6 is on the minus strand). VCF-style: chrX-108214225-G-A. GRCh37 (hg19) VCF-style: chrX-107457455-G-A.
Other names: c.328C>T, p.His110Tyr (NM_001287758.2, NM_001287759.2, NM_001287760.2 and 1 more transcripts); c.331C>T, p.His111Tyr (NM_001440759.1, NM_001847.4); short protein forms H110Y, H111Y.
Identifiers: ClinVar variation 4807620 (VCV004807620.1).